The following is an entry in ClinVar:

NM_006796.3(AFG3L2):c.706G>A (p.Glu236Lys)

Gene: AFG3L2 (AFG3 like matrix AAA peptidase subunit 2; minus strand). Cytogenetic location: 18p11.21.
Variant type: single nucleotide variant.
Coding change: c.706G>A on transcript NM_006796.3 (MANE Select); coding-DNA position 706, G replaced by A.
Protein change: p.Glu236Lys; replaces glutamic acid 236 with lysine.
Molecular consequence: missense variant.
Genome position (GRCh38, 1-based): chr18:12,359,973, C>T on the plus strand (G>A on the coding strand, the complement: AFG3L2 is on the minus strand). VCF-style: chr18-12359973-C-T. GRCh37 (hg19) VCF-style: chr18-12359972-C-T.
Other names: short protein forms E236K.
Identifiers: ClinVar variation 3688691 (VCV003688691.2).

ClinVar aggregate classification (germline): Uncertain significance (1 of 4 stars; one submission).

Submission:

Labcorp Genetics (formerly Invitae), Labcorp
Classification: Uncertain significance. Last evaluated: 2024-04-25. Review status: criteria provided, single submitter. Criteria: Invitae Variant Classification Sherloc (09022015). Collection method: clinical testing. Allele origin: germline.
Comment: This sequence change replaces glutamic acid, which is acidic and polar, with lysine, which is basic and polar, at codon 236 of the AFG3L2 protein (p.Glu236Lys). This variant is not present in population databases (gnomAD no frequency). This variant has not been reported in the literature in individuals affected with AFG3L2-related conditions. Advanced modeling of protein sequence and biophysical properties (such as structural, functional, and spatial information, amino acid conservation, physicochemical variation, residue mobility, and thermodynamic stability) has been performed at Invitae for this missense variant, however the output from this modeling did not meet the statistical confidence thresholds required to predict the impact of this variant on AFG3L2 protein function. In summary, the available evidence is currently insufficient to determine the role of this variant in disease. Therefore, it has been classified as a Variant of Uncertain Significance.